The following is an entry in ClinVar:

ClinVar aggregate classification (germline): Uncertain significance. Review status: criteria provided, multiple submitters, no conflicts (2 of 4 stars). 2 submissions from 2 submitters: Uncertain significance (2). Last evaluated 2024-10-08.

Conditions:
Congenital myotonia, autosomal recessive form. Also called: Becker Generalized Myotonia; BECKER DISEASE; myotonia congenita, autosomal recessive. Identifiers: Orphanet 614, MedGen C0751360, MONDO:0009715, OMIM 255700.
Congenital myotonia, autosomal dominant form (THD). Also called: THOMSEN DISEASE; Myotonia congenita autosomal dominant. Identifiers: Orphanet 614, MedGen C2936781, MONDO:0008055, OMIM 160800.
Inborn genetic diseases. Identifiers: MedGen C0950123, MeSH D030342.

Allele frequency attached by ClinVar (database versions not stated): gnomAD exomes below 0.00001 and 0.00001; ExAC 0.00001; TOPMed 0.00003; gnomAD 0.00004; ESP Exome Variant Server 0.00008.

Submissions (2):

Ambry Genetics
Classification: Uncertain significance for Inborn genetic diseases. Last evaluated: 2024-10-08. Review status: criteria provided, single submitter. Criteria: Ambry Variant Classification Scheme 2023. Collection method: clinical testing. Allele origin: germline.

Labcorp Genetics (formerly Invitae), Labcorp
Classification: Uncertain significance for Congenital myotonia, autosomal recessive form; Congenital myotonia, autosomal dominant form. Last evaluated: 2022-10-13. Review status: criteria provided, single submitter. Criteria: Invitae Variant Classification Sherloc (09022015). Collection method: clinical testing. Allele origin: germline.
Comment: This sequence change replaces alanine, which is neutral and non-polar, with valine, which is neutral and non-polar, at codon 804 of the CLCN1 protein (p.Ala804Val). The frequency data for this variant in the population databases is considered unreliable, as metrics indicate poor data quality at this position in the gnomAD database. This variant has not been reported in the literature in individuals affected with CLCN1-related conditions. ClinVar contains an entry for this variant (Variation ID: 531741). Algorithms developed to predict the effect of missense changes on protein structure and function (SIFT, PolyPhen-2, Align-GVGD) all suggest that this variant is likely to be tolerated. In summary, the available evidence is currently insufficient to determine the role of this variant in disease. Therefore, it has been classified as a Variant of Uncertain Significance.

NM_000083.3(CLCN1):c.2411C>T (p.Ala804Val)

Gene: CLCN1 (chloride voltage-gated channel 1; plus strand). Cytogenetic location: 7q34.
Variant type: single nucleotide variant.
Coding change: c.2411C>T on transcript NM_000083.3 (MANE Select); coding-DNA position 2411, C replaced by T.
Protein change: p.Ala804Val; replaces alanine 804 with valine.
Molecular consequence: missense variant. On other transcripts: non-coding transcript variant (1).
Genome position (GRCh38, 1-based): chr7:143,350,379, C>T. VCF-style: chr7-143350379-C-T. GRCh37 (hg19) VCF-style: chr7-143047472-C-T.
Other names: short protein forms A804V.
Identifiers: ClinVar variation 531741 (VCV000531741.7), dbSNP rs146453561, ClinGen allele CA4537684.